The following is an entry in ClinVar:

ClinVar aggregate classification (germline): Uncertain significance (1 of 4 stars; one submission).

Conditions:
Spastic paraplegia. Identifiers: MedGen C0037772, HP:0001258.

Submission:

Labcorp Genetics (formerly Invitae), Labcorp
Classification: Uncertain significance for Spastic paraplegia. Last evaluated: 2023-05-15. Review status: criteria provided, single submitter. Criteria: Invitae Variant Classification Sherloc (09022015). Collection method: clinical testing. Allele origin: germline.
Comment: This variant has not been reported in the literature in individuals affected with KIF5A-related conditions. This variant is not present in population databases (gnomAD no frequency). This sequence change replaces aspartic acid, which is acidic and polar, with valine, which is neutral and non-polar, at codon 517 of the KIF5A protein (p.Asp517Val). In summary, the available evidence is currently insufficient to determine the role of this variant in disease. Therefore, it has been classified as a Variant of Uncertain Significance. Advanced modeling of protein sequence and biophysical properties (such as structural, functional, and spatial information, amino acid conservation, physicochemical variation, residue mobility, and thermodynamic stability) has been performed at Invitae for this missense variant, however the output from this modeling did not meet the statistical confidence thresholds required to predict the impact of this variant on KIF5A protein function.

NM_004984.4(KIF5A):c.1550A>T (p.Asp517Val)

Gene: KIF5A (kinesin family member 5A; plus strand). Cytogenetic location: 12q13.3.
Variant type: single nucleotide variant.
Coding change: c.1550A>T on transcript NM_004984.4 (MANE Select); coding-DNA position 1550, A replaced by T.
Protein change: p.Asp517Val; replaces aspartic acid 517 with valine.
Molecular consequence: missense variant.
Genome position (GRCh38, 1-based): chr12:57,572,248, A>T. VCF-style: chr12-57572248-A-T. GRCh37 (hg19) VCF-style: chr12-57966031-A-T.
Other names: c.1283A>T, p.Asp428Val (NM_001354705.2); short protein forms D517V, D428V.
Identifiers: ClinVar variation 2864646 (VCV002864646.3), dbSNP rs2540504271, ClinGen allele CA385507306.
Genomic context (GRCh38, chr12:57,572,248, plus strand): 5'-ACTATGACCAGAAGTCCCAGGAGGTGGAGGAGAAGAGCCAGCAGAACCAGCTTCTGGTGG[A>T]TGAGCTGTCTCAGAAGGTGGTAAGTGGTGTGCCAATGGTCCAACAGCTCCCTGACCACAG-3'
Protein context (NP_004975.2, residues 507-527): EKSQQNQLLV[Asp517Val]ELSQKVATML